The following is an entry in ClinVar:

NM_015338.6(ASXL1):c.1166C>T (p.Pro389Leu)

Gene: ASXL1 (ASXL transcriptional regulator 1; plus strand). Cytogenetic location: 20q11.21.
Variant type: single nucleotide variant.
Coding change: c.1166C>T on transcript NM_015338.6 (MANE Select); coding-DNA position 1166, C replaced by T.
Protein change: p.Pro389Leu; replaces proline 389 with leucine.
Molecular consequence: missense variant.
Genome position (GRCh38, 1-based): chr20:32,433,364, C>T. VCF-style: chr20-32433364-C-T. GRCh37 (hg19) VCF-style: chr20-31021167-C-T.
Other names: c.983C>T, p.Pro328Leu (NM_001363734.1); short protein forms P389L, P328L.
Identifiers: ClinVar variation 4158724 (VCV004158724.1).

ClinVar aggregate classification (germline): Uncertain significance (1 of 4 stars; one submission).

Conditions:
Inborn genetic diseases. Identifiers: MedGen C0950123, MeSH D030342.

Submission:

Ambry Genetics
Classification: Uncertain significance for Inborn genetic diseases. Last evaluated: 2025-08-08. Review status: criteria provided, single submitter. Criteria: Ambry Variant Classification Scheme 2023. Collection method: clinical testing. Allele origin: germline.
Comment: The p.P389L variant (also known as c.1166C>T), located in coding exon 12 of the ASXL1 gene, results from a C to T substitution at nucleotide position 1166. The proline at codon 389 is replaced by leucine, an amino acid with similar properties. This amino acid position is conserved. In addition, this alteration is predicted to be tolerated by in silico analysis. Based on the available evidence, the clinical significance of this variant remains unclear.